The following is an entry in ClinVar:

ClinVar aggregate classification (germline): Conflicting classifications of pathogenicity. Review status: criteria provided, conflicting classifications (1 of 4 stars). 2 submissions from 2 submitters: Pathogenic (1); Uncertain significance (1). Last evaluated 2026-04-13.

Conditions:
DGUOK-related disorder. Also called: DGUOK-related condition.
Portal hypertension. Identifiers: MedGen C0020541, MeSH D006975, MONDO:0005080, HP:0001409.

Submissions (2):

PreventionGenetics, part of Exact Sciences
Classification: Uncertain significance for DGUOK-related condition. Last evaluated: 2026-04-13. Review status: criteria provided, single submitter. Criteria: ACMG Guidelines, 2015. Collection method: clinical testing. Allele origin: germline.
Comment: The DGUOK c.763_765delGAT variant is predicted to result in an in-frame deletion (p.Asp255del). This variant was reported in homozygous state in two siblings with mitochondrial DNA depletion syndrome (Table 1, Al-Shamsi et al. 2016. PubMed ID: 27391121). This variant has not been reported in a large population database (gnomAD), indicating this variant is rare. Although we suspect that this variant may be pathogenic, at this time, the clinical significance of this variant is uncertain due to the absence of conclusive functional and genetic evidence.

Dubai Health Genomic Medicine Center, Dubai Health
Classification: Pathogenic for Portal hypertension. Last evaluated: 2024-10-04. Review status: criteria provided, single submitter. Criteria: ACMG Guidelines, 2015. Collection method: research. Allele origin: germline. Affected: yes.
Comment: PP1,PM2,PM4,PM5

NM_080916.3(DGUOK):c.760GAT[1] (p.Asp255del)

Genes: DGUOK (deoxyguanosine kinase; plus strand), DGUOK-AS1 (DGUOK antisense RNA 1; minus strand). Cytogenetic location: 2p13.1.
Variant type: Microsatellite.
Coding change: c.760GAT[1] on transcript NM_080916.3 (MANE Select); one copy of the 3-base unit GAT starting at c.760; the reference has two copies in a row; one copy, 3 bases deleted; also written c.763_765del.
Protein change: p.Asp255del; deletes aspartic acid 255.
Molecular consequence: non-coding transcript variant (on NR_104029.1).
Genome position (GRCh38, 1-based): chr2:73,958,201-73,958,203, GAT deleted; deleting any 3 consecutive bases within chr2:73,958,196-73,958,203 gives the same sequence; the position shown is the placement nearest the transcript's 3' end. VCF-style (leftmost placement, unchanged base first): chr2-73958195-AATG-A. GRCh37 (hg19) VCF-style: chr2-74185322-AATG-A.
Other names: c.763_765delGAT (NM_080916.2); c.478GAT[1], p.Asp161del (NM_001318859.2); c.469GAT[1], p.Asp158del (NM_001318860.2, NM_001318861.2); c.451GAT[1], p.Asp152del (NM_001318862.2, NM_001318863.2); c.496GAT[1], p.Asp167del (NM_080918.3); c.763_765del (NM_080916.3); short protein forms D152del, D158del, D161del, D167del, D255del.
Identifiers: ClinVar variation 3384060 (VCV003384060.2).
Genomic context (GRCh38, chr2:73,958,195, plus strand): 5'-GCTTCTTATAGGCTCCACTTTGAGGCTCTGATGAACATTCCAGTGCTGGTGTTGGATGTC[AATG>A]ATGATTTTTCTGAGGAAGTAACCAAACAAGAAGACCTCATGAGAGAGGTGGGAAGGACTT-3'